The following is an entry in ClinVar:

NM_177924.5(ASAH1):c.383-1G>C

Gene: ASAH1 (N-acylsphingosine amidohydrolase 1; minus strand). Cytogenetic location: 8p22.
Variant type: single nucleotide variant.
Coding change: c.383-1G>C on transcript NM_177924.5 (MANE Select); the canonical splice acceptor site of the intron before coding-DNA position 383, G replaced by C.
Molecular consequence: splice acceptor variant.
Genome position (GRCh38, 1-based): chr8:18,064,532, C>G on the plus strand (G>C on the coding strand, the complement: ASAH1 is on the minus strand). VCF-style: chr8-18064532-C-G. GRCh37 (hg19) VCF-style: chr8-17922041-C-G.
Other names: c.431-1G>C (NM_004315.6); c.365-1G>C (NM_001127505.3); c.188-1G>C (NM_001363743.2).
Identifiers: ClinVar variation 3014094 (VCV003014094.3), dbSNP rs1799849914, ClinGen allele CA370431874.
Genomic context (GRCh38, chr8:18,064,532, plus strand): 5'-CTACTATTGAAGTACAAATGGTAAATAATTCATAAAAAATATTGAATGAAATAATCTCTC[C>G]TATGAGAAAAGAAAATTTTGTGTTAATATACAGAACCATGACAATGGGAGAAAAATTTGT-3'

ClinVar aggregate classification (germline): Likely pathogenic (1 of 4 stars; one submission).

Allele frequency attached by ClinVar (database versions not stated): TOPMed below 0.00001; gnomAD 0.00001.
gnomAD v4.1: 2 of 1,515,188 alleles (0.00013%); highest among the groups gnomAD compares: African/African-American, 0.0028%; no homozygotes.

Submission:

Labcorp Genetics (formerly Invitae), Labcorp
Classification: Likely pathogenic. Last evaluated: 2023-10-13. Review status: criteria provided, single submitter. Criteria: Invitae Variant Classification Sherloc (09022015). Collection method: clinical testing. Allele origin: germline.
Comment: This sequence change affects an acceptor splice site in intron 5 of the ASAH1 gene. It is expected to disrupt RNA splicing. Variants that disrupt the donor or acceptor splice site typically lead to a loss of protein function (PMID: 16199547), and loss-of-function variants in ASAH1 are known to be pathogenic (PMID: 24164096, 24355074). This variant is not present in population databases (gnomAD no frequency). This variant has not been reported in the literature in individuals affected with ASAH1-related conditions. Algorithms developed to predict the effect of sequence changes on RNA splicing suggest that this variant may disrupt the consensus splice site. In summary, the currently available evidence indicates that the variant is pathogenic, but additional data are needed to prove that conclusively. Therefore, this variant has been classified as Likely Pathogenic.

Literature cited by the submitters: PubMed 16199547; PubMed 24164096; PubMed 24355074.